The following is an entry in ClinVar:

ClinVar aggregate classification (germline): Uncertain significance (1 of 4 stars; one submission).

Conditions:
Inborn genetic diseases. Identifiers: MedGen C0950123, MeSH D030342.

Submission:

Ambry Genetics
Classification: Uncertain significance for Inborn genetic diseases. Last evaluated: 2020-11-05. Review status: criteria provided, single submitter. Criteria: Ambry Variant Classification Scheme 2023. Collection method: clinical testing. Allele origin: germline.
Comment: The c.2572T>C (p.S858P) alteration is located in exon 16 (coding exon 16) of the OXR1 gene. This alteration results from a T to C substitution at nucleotide position 2572, causing the serine (S) at amino acid position 858 to be replaced by a proline (P). Based on data from the Genome Aggregation Database (gnomAD), the OXR1 c.2572T>C alteration was not observed, with coverage at this position. This amino acid position is highly conserved in available vertebrate species. The in silico prediction for the p.S858P alteration is inconclusive. Based on insufficient or conflicting evidence, the clinical significance of this alteration remains unclear.

NM_001198533.2(OXR1):c.2569T>C (p.Ser857Pro)

Gene: OXR1 (oxidation resistance 1; plus strand). Cytogenetic location: 8q23.1.
Variant type: single nucleotide variant.
Coding change: c.2569T>C on transcript NM_001198533.2 (MANE Select); coding-DNA position 2569, T replaced by C.
Protein change: p.Ser857Pro; replaces serine 857 with proline.
Molecular consequence: missense variant.
Genome position (GRCh38, 1-based): chr8:106,750,888, T>C. VCF-style: chr8-106750888-T-C. GRCh37 (hg19) VCF-style: chr8-107763116-T-C.
Other names: c.2572T>C, p.Ser858Pro (NM_001198532.1); c.679T>C, p.Ser227Pro (NM_001198534.1); c.598T>C, p.Ser200Pro (NM_001198535.1); c.2488T>C, p.Ser830Pro (NM_018002.3); c.2467T>C, p.Ser823Pro (NM_181354.4); short protein forms S857P, S227P, S823P, S830P, S200P, S858P.
Identifiers: ClinVar variation 2227915 (VCV002227915.2), dbSNP rs1835846145, ClinGen allele CA371955851.